The following is an entry in ClinVar:

NM_198075.4(LRRC56):c.52G>A (p.Val18Ile)

Gene: LRRC56 (leucine rich repeat containing 56; plus strand). Cytogenetic location: 11p15.5.
Variant type: single nucleotide variant.
Coding change: c.52G>A on transcript NM_198075.4 (MANE Select); coding-DNA position 52, G replaced by A.
Protein change: p.Val18Ile; replaces valine 18 with isoleucine.
Molecular consequence: missense variant.
Genome position (GRCh38, 1-based): chr11:540,736, G>A. VCF-style: chr11-540736-G-A. GRCh37 (hg19) VCF-style: chr11-540736-G-A.
Other names: c.52G>A (NM_198075.3); short protein forms V18I.
Identifiers: ClinVar variation 1367860 (VCV001367860.5), dbSNP rs772525350, ClinGen allele CA5779480.

ClinVar aggregate classification (germline): Conflicting classifications of pathogenicity. Review status: criteria provided, conflicting classifications (1 of 4 stars). 2 submissions from 2 submitters: Uncertain significance (1); Likely benign (1). Last evaluated 2022-12-27.

gnomAD v4.1: 83 of 1,612,198 alleles (0.0051%); highest among the groups gnomAD compares: East Asian, 0.0089%; no homozygotes.

Submissions (2):

Ambry Genetics
Classification: Likely benign. Last evaluated: 2022-12-27. Review status: criteria provided, single submitter. Criteria: Ambry Variant Classification Scheme 2023. Collection method: clinical testing. Allele origin: germline.

Labcorp Genetics (formerly Invitae), Labcorp
Classification: Uncertain significance. Last evaluated: 2022-11-01. Review status: criteria provided, single submitter. Criteria: Invitae Variant Classification Sherloc (09022015). Collection method: clinical testing. Allele origin: germline.
Comment: In summary, the available evidence is currently insufficient to determine the role of this variant in disease. Therefore, it has been classified as a Variant of Uncertain Significance. Advanced modeling of protein sequence and biophysical properties (such as structural, functional, and spatial information, amino acid conservation, physicochemical variation, residue mobility, and thermodynamic stability) performed at Invitae indicates that this missense variant is not expected to disrupt LRRC56 protein function. ClinVar contains an entry for this variant (Variation ID: 1367860). This variant has not been reported in the literature in individuals affected with LRRC56-related conditions. This variant is present in population databases (no rsID available, gnomAD 0.02%). This sequence change replaces valine, which is neutral and non-polar, with isoleucine, which is neutral and non-polar, at codon 18 of the LRRC56 protein (p.Val18Ile).